The following is an entry in ClinVar:

ClinVar aggregate classification (germline): Benign/Likely benign. Review status: criteria provided, multiple submitters, no conflicts (2 of 4 stars). 3 submissions from 3 submitters: Benign (1); Likely benign (2). Last evaluated 2026-04-15.

Conditions:
DICER1-related tumor predisposition. Also called: DICER1 syndrome; DICER1-related pleuropulmonary blastoma cancer predisposition syndrome. Identifiers: Orphanet 284343, MedGen C3839822, MONDO:0100216.
Hereditary cancer-predisposing syndrome. Also called: Tumor predisposition; Hereditary Cancer Syndrome; Hereditary neoplastic syndrome; Neoplastic Syndromes, Hereditary. Identifiers: Orphanet 140162, MedGen C0027672, MeSH D009386, MONDO:0015356.

Allele frequency attached by ClinVar (database versions not stated): gnomAD exomes 0.00001; TOPMed below 0.00001.

Submissions (3):

Myriad Genetics, Inc.
Classification: Benign for DICER1-related tumor predisposition. Last evaluated: 2026-04-15. Review status: criteria provided, single submitter. Criteria: Myriad Autosomal Dominant, Autosomal Recessive and X-Linked Classification Criteria (2023). Collection method: clinical testing. Allele origin: unknown.
Comment: This variant is considered benign. This variant is a silent/synonymous amino acid change and it is not expected to impact splicing.

Labcorp Genetics (formerly Invitae), Labcorp
Classification: Likely benign for DICER1-related tumor predisposition. Last evaluated: 2025-11-13. Review status: criteria provided, single submitter. Criteria: Invitae Variant Classification Sherloc (09022015). Collection method: clinical testing. Allele origin: germline.

Ambry Genetics
Classification: Likely benign for Hereditary cancer-predisposing syndrome. Last evaluated: 2020-08-17. Review status: criteria provided, single submitter. Criteria: Ambry Variant Classification Scheme 2023. Collection method: clinical testing. Allele origin: germline.

NM_177438.3(DICER1):c.288G>A (p.Thr96=)

Gene: DICER1 (dicer 1, ribonuclease III; minus strand). Cytogenetic location: 14q32.13.
Variant type: single nucleotide variant.
Coding change: c.288G>A on transcript NM_177438.3 (MANE Select); coding-DNA position 288, G replaced by A.
Protein change: p.Thr96=; no amino-acid change (threonine 96 retained).
Molecular consequence: synonymous variant.
Genome position (GRCh38, 1-based): chr14:95,132,534, C>T on the plus strand (G>A on the coding strand, the complement: DICER1 is on the minus strand). VCF-style: chr14-95132534-C-T. GRCh37 (hg19) VCF-style: chr14-95598871-C-T.
Other names: c.288G>A, p.Thr96= (NM_001195573.1, NM_001271282.3, NM_001291628.2 and 1 more transcripts).
Identifiers: ClinVar variation 742729 (VCV000742729.13), dbSNP rs1412154903, ClinGen allele CA487634063.